The following is an entry in ClinVar:

NM_017780.4(CHD7):c.8488G>A (p.Ala2830Thr)

Gene: CHD7 (chromodomain helicase DNA binding protein 7; plus strand). Cytogenetic location: 8q12.2.
Variant type: single nucleotide variant.
Coding change: c.8488G>A on transcript NM_017780.4 (MANE Select); coding-DNA position 8488, G replaced by A.
Protein change: p.Ala2830Thr; replaces alanine 2830 with threonine.
Molecular consequence: missense variant.
Genome position (GRCh38, 1-based): chr8:60,865,427, G>A. VCF-style: chr8-60865427-G-A. GRCh37 (hg19) VCF-style: chr8-61777986-G-A.
Other names: c.2341G>A, p.Ala781Thr (NM_001316690.1); short protein forms A2830T, A781T.
Identifiers: ClinVar variation 363483 (VCV000363483.20), dbSNP rs533600930, ClinGen allele CA4761023.

ClinVar aggregate classification (germline): Benign/Likely benign. Review status: criteria provided, multiple submitters, no conflicts (2 of 4 stars). 5 submissions from 5 submitters: Benign (2); Likely benign (2). 1 of the submissions does not count toward it. Last evaluated 2025-11-17.

Conditions:
Hypogonadotropic hypogonadism 5 with or without anosmia (KAL5). Also called: HYPOGONADOTROPIC HYPOGONADISM 5 WITH ANOSMIA; HYPOGONADOTROPHIC HYPOGONADISM 5 WITHOUT ANOSMIA; CHD7-Related GnRH Deficiency (Kallmann Syndrome 5). Identifiers: Orphanet 478, MedGen C3552553, MONDO:0012880, OMIM 612370. Disease mechanism: loss of function.
CHD7-related disorder. Also called: CHD7-related condition.
CHARGE syndrome (CHARGE). Also called: CHARGE ASSOCIATION--COLOBOMA, HEART ANOMALY, CHOANAL ATRESIA, RETARDATION, GENITAL AND EAR ANOMALIES; Coloboma, heart anomaly, choanal atresia, retardation, genital and ear anomalies; CHARGE association; Hall-Hittner syndrome; Hittner Hirsch Kreh syndrome. Identifiers: Orphanet 138, MedGen C0265354, MONDO:0008965.

Allele frequency attached by ClinVar (database versions not stated): gnomAD below 0.00001 and 0.00011; TOPMed 0.00002; gnomAD exomes 0.00017 and 0.00033; 1000 Genomes Project 30x 0.00031; ExAC 0.00037; 1000 Genomes Project 0.00040.
gnomAD v4.1: 277 of 1,613,884 alleles (0.017%); highest among the groups gnomAD compares: South Asian, 0.28%; 2 homozygotes.

Submissions (5):

Labcorp Genetics (formerly Invitae), Labcorp
Classification: Likely benign for CHARGE syndrome. Last evaluated: 2025-11-17. Review status: criteria provided, single submitter. Criteria: Invitae Variant Classification Sherloc (09022015). Collection method: clinical testing. Allele origin: germline.

Blueprint Genetics
Classification: Likely benign. Last evaluated: 2024-07-09. Review status: criteria provided, single submitter. Criteria: ACMG Guidelines, 2015. Collection method: clinical testing. Allele origin: germline.

GeneDx
Classification: Benign. Last evaluated: 2021-08-10. Review status: criteria provided, single submitter. Criteria: GeneDx Variant Classification Process June 2021. Collection method: clinical testing. Allele origin: germline. Affected: yes.

Illumina Laboratory Services, Illumina
Classification: Benign for Kallmann Syndrome 5. Last evaluated: 2018-01-12. Review status: criteria provided, single submitter. Criteria: ICSL Variant Classification Criteria 13 December 2019. Collection method: clinical testing. Allele origin: germline.
Comment: This variant was observed in the ICSL laboratory as part of a predisposition screen in an ostensibly healthy population. It had not been previously curated by ICSL or reported in the Human Gene Mutation Database (HGMD: prior to June 1st, 2018), and was therefore a candidate for classification through an automated scoring system. Utilizing variant allele frequency, disease prevalence and penetrance estimates, and inheritance mode, an automated score was calculated to assess if this variant is too frequent to cause the disease. Based on the score and internal cut-off values, a variant classified as benign is not then subjected to further curation. The score for this variant resulted in a classification of benign for this disease.

PreventionGenetics, part of Exact Sciences
Classification: Likely benign for CHD7-related condition. Last evaluated: 2019-10-11. Review status: no assertion criteria provided. Collection method: clinical testing. Allele origin: germline. Not counted in ClinVar's aggregate classification.
Comment: This variant is classified as likely benign based on ACMG/AMP sequence variant interpretation guidelines (Richards et al. 2015 PMID: 25741868, with internal and published modifications).